The following is an entry in ClinVar:

ClinVar aggregate classification (germline): Likely benign (1 of 4 stars; one submission).

Allele frequency attached by ClinVar (database versions not stated): ExAC 0.00006; gnomAD exomes 0.00006; TOPMed 0.00007; gnomAD 0.00008.
gnomAD v4.1: 98 of 1,614,162 alleles (0.0061%); highest among the groups gnomAD compares: Middle Eastern, 0.016%; no homozygotes.

Submission:

CeGaT Center for Human Genetics Tuebingen
Classification: Likely benign. Last evaluated: 2024-04-01. Review status: criteria provided, single submitter. Criteria: CeGaT Center For Human Genetics Tuebingen Variant Classification Criteria Version 2. Collection method: clinical testing. Allele origin: germline. Affected: yes. Observed: 1 variant allele.
Comment: M1AP: BP4, BP7

NM_001321739.2(M1AP):c.1233C>T (p.Phe411=)

Gene: M1AP (meiosis 1 associated protein; minus strand). Cytogenetic location: 2p13.1.
Variant type: single nucleotide variant.
Coding change: c.1233C>T on transcript NM_001321739.2 (MANE Select); coding-DNA position 1233, C replaced by T.
Protein change: p.Phe411=; no amino-acid change (phenylalanine 411 retained).
Molecular consequence: synonymous variant.
Genome position (GRCh38, 1-based): chr2:74,562,265, G>A on the plus strand (C>T on the coding strand, the complement: M1AP is on the minus strand). VCF-style: chr2-74562265-G-A. GRCh37 (hg19) VCF-style: chr2-74789392-G-A.
Other names: c.1233C>T, p.Phe411= (NM_001281296.2, NM_138804.5).
Identifiers: ClinVar variation 3234245 (VCV003234245.20), dbSNP rs745610891, ClinGen allele CA1729827.